The following is an entry in ClinVar:

NM_001276270.2(MBD4):c.1419G>A (p.Trp473Ter)

Gene: MBD4 (methyl-CpG binding domain 4, DNA glycosylase; minus strand). Cytogenetic location: 3q21.3.
Variant type: single nucleotide variant.
Coding change: c.1419G>A on transcript NM_001276270.2 (MANE Select); coding-DNA position 1419, G replaced by A.
Protein change: p.Trp473Ter; replaces tryptophan 473 with a stop codon.
Molecular consequence: nonsense.
Genome position (GRCh38, 1-based): chr3:129,433,222, C>T on the plus strand (G>A on the coding strand, the complement: MBD4 is on the minus strand). VCF-style: chr3-129433222-C-T. GRCh37 (hg19) VCF-style: chr3-129152065-C-T.
Other names: c.1437G>A, p.Trp479Ter (NM_001276271.2, NM_001276272.2, NM_003925.3); c.483G>A, p.Trp161Ter (NM_001276273.2); short protein forms W161*, W473*, W479*.
Identifiers: ClinVar variation 4104668 (VCV004104668.2).

ClinVar aggregate classification (germline): Pathogenic. Review status: criteria provided, multiple submitters, no conflicts (2 of 4 stars). 2 submissions from 2 submitters: Pathogenic (2). Last evaluated 2026-01-09.

Conditions:
Tumor predisposition syndrome 2 (TPDS2). Also called: MBD4-ASSOCIATED NEOPLASIA SYNDROME; MBD4-Related Tumor Predisposition Syndrome; MBD4-associated neoplasia syndrome (MANS). Identifiers: Orphanet 661526, MedGen C5774186, MONDO:0859267, OMIM 619975.
Inborn genetic diseases. Identifiers: MedGen C0950123, MeSH D030342.

Submissions (2):

Myriad Genetics, Inc.
Classification: Pathogenic for Tumor predisposition syndrome 2. Last evaluated: 2026-01-09. Review status: criteria provided, single submitter. Criteria: Myriad Autosomal Dominant, Autosomal Recessive and X-Linked Classification Criteria (2023). Collection method: clinical testing. Allele origin: unknown.
Comment: This variant is considered pathogenic. This variant creates a termination codon and is predicted to result in premature protein truncation.

Ambry Genetics
Classification: Pathogenic for Inborn genetic diseases. Last evaluated: 2025-08-28. Review status: criteria provided, single submitter. Criteria: Ambry Variant Classification Scheme 2023. Collection method: clinical testing. Allele origin: germline.
Comment: The p.W473* pathogenic mutation (also known as c.1419G>A), located in coding exon 6 of the MBD4 gene, results from a G to A substitution at nucleotide position 1419. This changes the amino acid from a tryptophan to a stop codon within coding exon 6. This variant is considered to be rare based on population cohorts in the Genome Aggregation Database (gnomAD). This alteration is expected to result in loss of function by premature protein truncation or nonsense-mediated mRNA decay. As such, this alteration is interpreted as a disease-causing mutation.